The following is an entry in ClinVar:

NM_006231.4(POLE):c.6658-7C>A

Gene: POLE (DNA polymerase epsilon, catalytic subunit; minus strand). Cytogenetic location: 12q24.33.
Variant type: single nucleotide variant.
Coding change: c.6658-7C>A on transcript NM_006231.4 (MANE Select); 7 bases into the intron before coding-DNA position 6658, C replaced by A.
Molecular consequence: intron variant.
Genome position (GRCh38, 1-based): chr12:132,625,001, G>T on the plus strand (C>A on the coding strand, the complement: POLE is on the minus strand). VCF-style: chr12-132625001-G-T. GRCh37 (hg19) VCF-style: chr12-133201587-G-T.
Identifiers: ClinVar variation 220967 (VCV000220967.39), dbSNP rs531482240, ClinGen allele CA347980.
Genomic context (GRCh38, chr12:132,625,001, plus strand): 5'-GCTGCAGTACACAGGCATGCTGGTCTCCTTCACCCCGCGGCACTTCAGGCAGACCTGAAA[G>T]GGAGCAGCCCCGATGGGCGCCAGCCCTCCCGCGCTGGCCAGACCTGCCTGCTGCTTCTTC-3'

ClinVar aggregate classification (germline): Conflicting classifications of pathogenicity. Review status: criteria provided, conflicting classifications (1 of 4 stars). 9 submissions from 9 submitters: Uncertain significance (1); Benign (1); Likely benign (5). 2 of the submissions do not count toward it. Last evaluated 2026-02-02.

Conditions:
POLE-related disorder. Also called: POLE-related condition; POLE-related disorders.
Hereditary cancer-predisposing syndrome. Also called: Tumor predisposition; Hereditary Cancer Syndrome; Neoplastic Syndromes, Hereditary; Hereditary neoplastic syndrome. Identifiers: Orphanet 140162, MedGen C0027672, MeSH D009386, MONDO:0015356.
Colorectal cancer, susceptibility to, 12 (CRCS12). Also called: COLORECTAL CANCER, SUSCEPTIBILITY TO, ON CHROMOSOME 12q24. Identifiers: Orphanet 220460, MedGen C3554460, MONDO:0014038, OMIM 615083.

Allele frequency attached by ClinVar (database versions not stated): gnomAD 0.00010 and 0.00011; TOPMed 0.00010.
gnomAD v4.1: 282 of 1,611,554 alleles (0.017%); highest among the groups gnomAD compares: Non-Finnish European, 0.023%; no homozygotes.

Submissions (10):

Labcorp Genetics (formerly Invitae), Labcorp
Classification: Likely benign. Last evaluated: 2026-02-02. Review status: criteria provided, single submitter. Criteria: Invitae Variant Classification Sherloc (09022015). Collection method: clinical testing. Allele origin: germline.

Women's Health and Genetics/Laboratory Corporation of America, LabCorp
Classification: Likely benign. Last evaluated: 2025-04-28. Review status: criteria provided, single submitter. Criteria: LabCorp Variant Classification Summary - May 2015. Collection method: clinical testing. Allele origin: germline.

Center for Genomic Medicine, Rigshospitalet, Copenhagen University Hospital
Classification: Likely benign. Last evaluated: 2025-03-04. Review status: criteria provided, single submitter. Criteria: ACMG Guidelines, 2015. Collection method: clinical testing. Allele origin: germline.

Blueprint Genetics
Classification: Likely benign. Last evaluated: 2024-03-05. Review status: criteria provided, single submitter. Criteria: ACMG Guidelines, 2015. Collection method: clinical testing. Allele origin: germline.

GeneDx
Classification: Uncertain significance. Last evaluated: 2021-05-24. Review status: criteria provided, single submitter. Criteria: GeneDx Variant Classification Process June 2021. Collection method: clinical testing. Allele origin: germline. Affected: yes.
Comment: In-silico analysis is inconclusive as to whether the variant alters gene splicing. In the absence of RNA/functional studies, the actual effect of this sequence change is unknown.; Has not been previously published as pathogenic or benign to our knowledge

Sema4
Classification: Benign for Hereditary cancer-predisposing syndrome. Last evaluated: 2020-12-30. Review status: criteria provided, single submitter. Criteria: Sema4 Curation Guidelines. Collection method: curation. Allele origin: germline.

Quest Diagnostics Nichols Institute San Juan Capistrano
Classification: Likely benign. Last evaluated: 2017-03-29. Review status: criteria provided, single submitter. Criteria: Quest Diagnostics criteria. Collection method: clinical testing. Allele origin: germline.

PreventionGenetics, part of Exact Sciences
Classification: Likely benign for POLE-related condition. Last evaluated: 2020-07-28. Review status: no assertion criteria provided. Collection method: clinical testing. Allele origin: germline. Not counted in ClinVar's aggregate classification.
Comment: This variant is classified as likely benign based on ACMG/AMP sequence variant interpretation guidelines (Richards et al. 2015 PMID: 25741868, with internal and published modifications).

Counsyl
Classification: Likely benign for Colorectal cancer, susceptibility to, 12. Last evaluated: 2016-12-15. Review status: no assertion criteria provided. Collection method: clinical testing. Allele origin: unknown. Not counted in ClinVar's aggregate classification.

Dr. Peter K. Rogan Lab, Western University
No classification provided (evidence only). Condition: Acute myeloid leukemia. Review status: no classification provided. Collection method: in vitro. Allele origin: not applicable. Functional consequence: retained intron. Not counted in ClinVar's aggregate classification.